The following is an entry in ClinVar:

NM_024675.4(PALB2):c.435C>G (p.Ser145Arg)

Gene: PALB2 (partner and localizer of BRCA2; minus strand). Cytogenetic location: 16p12.2.
Variant type: single nucleotide variant.
Coding change: c.435C>G on transcript NM_024675.4 (MANE Select); coding-DNA position 435, C replaced by G.
Protein change: p.Ser145Arg; replaces serine 145 with arginine.
Molecular consequence: missense variant. On other transcripts: intron variant (3), 5 prime UTR variant (8).
Genome position (GRCh38, 1-based): chr16:23,636,111, G>C on the plus strand (C>G on the coding strand, the complement: PALB2 is on the minus strand). VCF-style: chr16-23636111-G-C. GRCh37 (hg19) VCF-style: chr16-23647432-G-C.
Other names: c.-105+4999C>G (NM_001407312.1, NM_001407313.1); c.375C>G, p.Ser125Arg (NM_001407296.1); c.435C>G, p.Ser145Arg (NM_001407297.1, NM_001407298.1, NM_001407299.1 and 3 more transcripts); c.-451C>G (NM_001407304.1, NM_001407305.1, NM_001407306.1 and 5 more transcripts); c.48+4999C>G (NM_001407314.1); short protein forms S125R, S145R.
Identifiers: ClinVar variation 2587410 (VCV002587410.2), dbSNP rs2142443491, ClinGen allele CA395137280.

ClinVar aggregate classification (germline): Uncertain significance (1 of 4 stars; one submission).

Conditions:
Hereditary cancer-predisposing syndrome. Also called: Tumor predisposition; Hereditary Cancer Syndrome; Hereditary neoplastic syndrome; Neoplastic Syndromes, Hereditary. Identifiers: Orphanet 140162, MedGen C0027672, MeSH D009386, MONDO:0015356.

Submission:

Ambry Genetics
Classification: Uncertain significance for Hereditary cancer-predisposing syndrome. Last evaluated: 2023-07-05. Review status: criteria provided, single submitter. Criteria: Ambry Variant Classification Scheme 2023. Collection method: clinical testing. Allele origin: germline.
Comment: The p.S145R variant (also known as c.435C>G), located in coding exon 4 of the PALB2 gene, results from a C to G substitution at nucleotide position 435. The serine at codon 145 is replaced by arginine, an amino acid with dissimilar properties. This amino acid position is conserved. In addition, this alteration is predicted to be tolerated by in silico analysis. Since supporting evidence is limited at this time, the clinical significance of this alteration remains unclear.